The following is an entry in ClinVar:

ClinVar aggregate classification (germline): Pathogenic. Review status: no assertion criteria provided (0 of 4 stars). 2 submissions from 2 submitters: Pathogenic (2). Last evaluated 2012-03-11.

Conditions:
Pseudohypoaldosteronism type 2D (PHA2D). Also called: Pseudohypoaldosteronism Type IID; FAMILIAL HYPERKALEMIC HYPERTENSION; PSEUDOHYPOALDOSTERONISM, TYPE IID, AUTOSOMAL DOMINANT OR RECESSIVE. Identifiers: Orphanet 300525, Orphanet 757, MedGen C3469605, MONDO:0013781, OMIM 614495.
Pseudohypoaldosteronism type 2A (PHA2A). Also called: HYPERTENSIVE HYPERKALEMIA, FAMILIAL; GORDON HYPERKALEMIA-HYPERTENSION SYNDROME. Identifiers: Orphanet 757, Orphanet 88938, MedGen C1840389, MONDO:0007772, OMIM 145260.

Allele frequency attached by ClinVar (database versions not stated): gnomAD exomes below 0.00001.
gnomAD v4.1: 6 of 1,613,704 alleles (0.00037%); highest among the groups gnomAD compares: South Asian, 0.0011%; no homozygotes.

Submissions (2):

OMIM
Classification: Pathogenic for PSEUDOHYPOALDOSTERONISM, TYPE IID, AUTOSOMAL DOMINANT OR RECESSIVE. Last evaluated: 2012-03-11. Review status: no assertion criteria provided. Collection method: literature only. Allele origin: germline.

Richard Lifton Laboratory, Yale University School of Medicine
Classification: Pathogenic for Pseudohypoaldosteronism, type 2. Review status: no assertion criteria provided. Collection method: not provided. Allele origin: germline.
Comment: recessive;Kelch propeller domain
ClinVar note: Converted during submission from pathogenic to Pathogenic.

Literature cited by the submitters: PubMed 22266938 (cited by OMIM); PubMed 22406640 (cited by OMIM).

NM_017415.3(KLHL3):c.1229C>T (p.Ser410Leu)

Gene: KLHL3 (kelch like family member 3; minus strand). Cytogenetic location: 5q31.2.
Variant type: single nucleotide variant.
Coding change: c.1229C>T on transcript NM_017415.3 (MANE Select); coding-DNA position 1229, C replaced by T.
Protein change: p.Ser410Leu; replaces serine 410 with leucine.
Molecular consequence: missense variant.
Genome position (GRCh38, 1-based): chr5:137,637,386, G>A on the plus strand (C>T on the coding strand, the complement: KLHL3 is on the minus strand). VCF-style: chr5-137637386-G-A. GRCh37 (hg19) VCF-style: chr5-136973075-G-A.
Other names: c.1133C>T, p.Ser378Leu (NM_001257194.1); c.983C>T, p.Ser328Leu (NM_001257195.2); short protein forms S410L, S328L, S378L.
Identifiers: ClinVar variation 30517 (VCV000030517.3), dbSNP rs199469641, ClinGen allele CA129302.